The following is an entry in ClinVar:

ClinVar aggregate classification (germline): Uncertain significance. Review status: criteria provided, multiple submitters, no conflicts (2 of 4 stars). 2 submissions from 2 submitters: Uncertain significance (2). Last evaluated 2026-03-05.

Conditions:
Inborn genetic diseases. Identifiers: MedGen C0950123, MeSH D030342.

Allele frequency attached by ClinVar (database versions not stated): TOPMed 0.00002; ExAC 0.00006; gnomAD exomes 0.00010.

Submissions (2):

GeneDx
Classification: Uncertain significance. Last evaluated: 2026-03-05. Review status: criteria provided, single submitter. Criteria: GeneDx Variant Classification Process June 2021. Collection method: clinical testing. Allele origin: germline.
Comment: In silico analysis suggests that this missense variant does not alter protein structure/function; Has not been previously published as pathogenic or benign to our knowledge

Ambry Genetics
Classification: Uncertain significance for Inborn genetic diseases. Last evaluated: 2023-09-29. Review status: criteria provided, single submitter. Criteria: Ambry Variant Classification Scheme 2023. Collection method: clinical testing. Allele origin: germline.

NM_173689.7(CRB2):c.580G>A (p.Ala194Thr)

Gene: CRB2 (crumbs cell polarity complex component 2; plus strand). Cytogenetic location: 9q33.3.
Variant type: single nucleotide variant.
Coding change: c.580G>A on transcript NM_173689.7 (MANE Select); coding-DNA position 580, G replaced by A.
Protein change: p.Ala194Thr; replaces alanine 194 with threonine.
Molecular consequence: missense variant.
Genome position (GRCh38, 1-based): chr9:123,366,078, G>A. VCF-style: chr9-123366078-G-A. GRCh37 (hg19) VCF-style: chr9-126128357-G-A.
Other names: c.580G>A (NM_173689.6); short protein forms A194T.
Identifiers: ClinVar variation 3077282 (VCV003077282.2), dbSNP rs766335179, ClinGen allele CA5231704.